The following is an entry in ClinVar:

NM_005027.4(PIK3R2):c.1977G>T (p.Val659=)

Gene: PIK3R2 (phosphoinositide-3-kinase regulatory subunit 2; plus strand). Cytogenetic location: 19p13.11.
Variant type: single nucleotide variant.
Coding change: c.1977G>T on transcript NM_005027.4 (MANE Select); coding-DNA position 1977, G replaced by T.
Protein change: p.Val659=; no amino-acid change (valine 659 retained).
Molecular consequence: synonymous variant. On other transcripts: non-coding transcript variant (2).
Genome position (GRCh38, 1-based): chr19:18,168,894, G>T. VCF-style: chr19-18168894-G-T. GRCh37 (hg19) VCF-style: chr19-18279704-G-T.
Identifiers: ClinVar variation 3010676 (VCV003010676.3), dbSNP rs1266956425, ClinGen allele CA506109147.

ClinVar aggregate classification (germline): Uncertain significance (1 of 4 stars; one submission).

Conditions:
Megalencephaly-polymicrogyria-postaxial polydactyly-hydrocephalus syndrome. Also called: MPPH Syndrome; MEG-PMG-MEGACC SYNDROME. Identifiers: Orphanet 83473, MedGen C1863924, MONDO:0019375.

Allele frequency attached by ClinVar (database versions not stated): gnomAD exomes 0.00001.
gnomAD v4.1: 7 of 1,611,964 alleles (0.00043%); highest among the groups gnomAD compares: Non-Finnish European, 0.00059%; no homozygotes.

Submission:

Labcorp Genetics (formerly Invitae), Labcorp
Classification: Uncertain significance for Megalencephaly-polymicrogyria-postaxial polydactyly-hydrocephalus syndrome. Last evaluated: 2022-12-02. Review status: criteria provided, single submitter. Criteria: Invitae Variant Classification Sherloc (09022015). Collection method: clinical testing. Allele origin: germline.
Comment: The frequency data for this variant in the population databases is considered unreliable, as metrics indicate poor data quality at this position in the gnomAD database. This sequence change affects codon 659 of the PIK3R2 mRNA. It is a 'silent' change, meaning that it does not change the encoded amino acid sequence of the PIK3R2 protein. This variant has not been reported in the literature in individuals affected with PIK3R2-related conditions. Algorithms developed to predict the effect of sequence changes on RNA splicing suggest that this variant may disrupt the consensus splice site. In summary, the available evidence is currently insufficient to determine the role of this variant in disease. Therefore, it has been classified as a Variant of Uncertain Significance.